The following is an entry in ClinVar:

ClinVar aggregate classification (germline): Uncertain significance (1 of 4 stars; one submission).

Conditions:
Autosomal recessive severe congenital neutropenia due to CSF3R deficiency. Also called: Neutropenia, severe congenital, 7, autosomal recessive. Identifiers: Orphanet 420702, MedGen C4310764, MONDO:0014865, OMIM 617014.

Submission:

Labcorp Genetics (formerly Invitae), Labcorp
Classification: Uncertain significance for Autosomal recessive severe congenital neutropenia due to CSF3R deficiency. Last evaluated: 2025-12-08. Review status: criteria provided, single submitter. Criteria: Invitae Variant Classification Sherloc (09022015). Collection method: clinical testing. Allele origin: germline.
Comment: This sequence change replaces histidine, which is basic and polar, with arginine, which is basic and polar, at codon 94 of the CSF3R protein (p.His94Arg). This variant is present in population databases (rs374695394, gnomAD 0.002%). This missense change has been observed in individual(s) with myelodysplastic syndrome (PMID: 33108454). ClinVar contains an entry for this variant (Variation ID: 3628995). Invitae Evidence Modeling of protein sequence and biophysical properties (such as structural, functional, and spatial information, amino acid conservation, physicochemical variation, residue mobility, and thermodynamic stability) indicates that this missense variant is not expected to disrupt CSF3R protein function with a negative predictive value of 80%. In summary, the available evidence is currently insufficient to determine the role of this variant in disease. Therefore, it has been classified as a Variant of Uncertain Significance.

Literature cited by the submitters: PubMed 33108454.

NM_000760.4(CSF3R):c.281A>G (p.His94Arg)

Gene: CSF3R (colony stimulating factor 3 receptor; minus strand). Cytogenetic location: 1p34.3.
Variant type: single nucleotide variant.
Coding change: c.281A>G on transcript NM_000760.4 (MANE Select); coding-DNA position 281, A replaced by G.
Protein change: p.His94Arg; replaces histidine 94 with arginine.
Molecular consequence: missense variant.
Genome position (GRCh38, 1-based): chr1:36,475,457, T>C on the plus strand (A>G on the coding strand, the complement: CSF3R is on the minus strand). VCF-style: chr1-36475457-T-C. GRCh37 (hg19) VCF-style: chr1-36941058-T-C.
Other names: c.281A>G, p.His94Arg (NM_156039.3, NM_172313.3); short protein forms H94R.
Identifiers: ClinVar variation 3628995 (VCV003628995.2).